The following is an entry in ClinVar:

ClinVar aggregate classification (germline): Uncertain significance (1 of 4 stars; one submission).

Conditions:
Tuberous sclerosis 2 (TSC2). Identifiers: Orphanet 805, MedGen C1860707, MONDO:0013199, OMIM 613254.

gnomAD v4.1: 1 of 1,614,094 alleles (0.000062%); highest among the groups gnomAD compares: Non-Finnish European, 0.000085%; no homozygotes.

Submission:

Labcorp Genetics (formerly Invitae), Labcorp
Classification: Uncertain significance for Tuberous sclerosis 2. Last evaluated: 2021-03-24. Review status: criteria provided, single submitter. Criteria: Invitae Variant Classification Sherloc (09022015). Collection method: clinical testing. Allele origin: germline.
Comment: In summary, the available evidence is currently insufficient to determine the role of this variant in disease. Therefore, it has been classified as a Variant of Uncertain Significance. Advanced modeling of protein sequence and biophysical properties (such as structural, functional, and spatial information, amino acid conservation, physicochemical variation, residue mobility, and thermodynamic stability) performed at Invitae indicates that this missense variant is not expected to disrupt TSC2 protein function. This variant has not been reported in the literature in individuals with TSC2-related conditions. This variant is not present in population databases (ExAC no frequency). This sequence change replaces lysine with glutamine at codon 720 of the TSC2 protein (p.Lys720Gln). The lysine residue is highly conserved and there is a small physicochemical difference between lysine and glutamine.

NM_000548.5(TSC2):c.2158A>C (p.Lys720Gln)

Gene: TSC2 (TSC complex subunit 2; plus strand). Cytogenetic location: 16p13.3.
Variant type: single nucleotide variant.
Coding change: c.2158A>C on transcript NM_000548.5 (MANE Select); coding-DNA position 2158, A replaced by C.
Protein change: p.Lys720Gln; replaces lysine 720 with glutamine.
Molecular consequence: missense variant.
Genome position (GRCh38, 1-based): chr16:2,072,301, A>C. VCF-style: chr16-2072301-A-C. GRCh37 (hg19) VCF-style: chr16-2122302-A-C.
Other names: c.2158A>C, p.Lys720Gln (NM_001077183.3, NM_001114382.3, NM_001363528.2 and 3 more transcripts); c.2047A>C, p.Lys683Gln (NM_001318827.2); c.2011A>C, p.Lys671Gln (NM_001318829.2); c.1558A>C, p.Lys520Gln (NM_001318831.2); c.2191A>C, p.Lys731Gln (NM_001318832.2); short protein forms K671Q, K520Q, K683Q, K720Q, K731Q.
Identifiers: ClinVar variation 1475238 (VCV001475238.8), dbSNP rs1195091149, ClinGen allele CA394274861.